The following is an entry in ClinVar:

NM_133473.4(ZNF431):c.1021G>A (p.Glu341Lys)

Gene: ZNF431 (zinc finger protein 431; plus strand). Cytogenetic location: 19p12.
Variant type: single nucleotide variant.
Coding change: c.1021G>A on transcript NM_133473.4 (MANE Select); coding-DNA position 1021, G replaced by A.
Protein change: p.Glu341Lys; replaces glutamic acid 341 with lysine.
Molecular consequence: missense variant. On other transcripts: non-coding transcript variant (2).
Genome position (GRCh38, 1-based): chr19:21,183,324, G>A. VCF-style: chr19-21183324-G-A. GRCh37 (hg19) VCF-style: chr19-21366127-G-A.
Other names: c.1024G>A, p.Glu342Lys (NM_001319124.2); c.748G>A, p.Glu250Lys (NM_001319126.2); c.700G>A, p.Glu234Lys (NM_001319127.2); short protein forms E341K, E342K, E250K, E234K.
Identifiers: ClinVar variation 161801 (VCV000161801.2), dbSNP rs193921015, ClinGen allele CA174812.
Genomic context (GRCh38, chr19:21,183,324, plus strand): 5'-TGTGGCAAAGCTTTTAACCAGTCTTCAACCCTTAGTACACATAAGTTCATTCATGCTGGA[G>A]AGAAACCCTACAAATGTGAGGAATGTGACAAAGCTTTTAATCGATTCTCATACCTTACTA-3'
Protein context (NP_597730.2, residues 331-351): LSTHKFIHAG[Glu341Lys]KPYKCEECDK

ClinVar aggregate classification (germline): Uncertain significance (0 of 4 stars; one submission).

Conditions:
Prostate cancer. Also called: Malignant tumor of prostate. Identifiers: Orphanet 1331, MedGen C0376358, MONDO:0008315, HP:0012125.

Allele frequency attached by ClinVar (database versions not stated): TOPMed below 0.00001; gnomAD 0.00001; gnomAD exomes 0.00001 and below 0.00001.
gnomAD v4.1: 4 of 1,613,728 alleles (0.00025%); highest among the groups gnomAD compares: Non-Finnish European, 0.00025%; no homozygotes.

Submission:

Science for Life laboratory,  Karolinska Institutet
Classification: Uncertain significance for Malignant tumor of prostate. Review status: no assertion criteria provided. Collection method: not provided. Allele origin: somatic.
Comment: TumorID:SWE-6
ClinVar note: Converted during submission from Unknown to Uncertain significance.